The following is an entry in ClinVar:

NM_001365951.3(KIF1B):c.4465A>G (p.Ile1489Val)

Gene: KIF1B (kinesin family member 1B; plus strand). Cytogenetic location: 1p36.22.
Variant type: single nucleotide variant.
Coding change: c.4465A>G on transcript NM_001365951.3 (MANE Select); coding-DNA position 4465, A replaced by G.
Protein change: p.Ile1489Val; replaces isoleucine 1489 with valine.
Molecular consequence: missense variant.
Genome position (GRCh38, 1-based): chr1:10,365,198, A>G. VCF-style: chr1-10365198-A-G. GRCh37 (hg19) VCF-style: chr1-10425256-A-G.
Other names: c.4465A>G, p.Ile1489Val (NM_001365952.1); c.4327A>G, p.Ile1443Val (NM_015074.3); short protein forms I1443V, I1489V.
Identifiers: ClinVar variation 3534071 (VCV003534071.1).

ClinVar aggregate classification (germline): Uncertain significance (1 of 4 stars; one submission).

Submission:

Ambry Genetics
Classification: Uncertain significance. Last evaluated: 2024-11-03. Review status: criteria provided, single submitter. Criteria: Ambry Variant Classification Scheme 2023. Collection method: clinical testing. Allele origin: germline.
Comment: The p.I1443V variant (also known as c.4327A>G), located in coding exon 39 of the KIF1B gene, results from an A to G substitution at nucleotide position 4327. The isoleucine at codon 1443 is replaced by valine, an amino acid with highly similar properties. This amino acid position is conserved. In addition, the in silico prediction for this alteration is inconclusive. Based on the available evidence, the clinical significance of this variant remains unclear.